The following is an entry in ClinVar:

ClinVar aggregate classification (germline): Uncertain significance (1 of 4 stars; one submission).

Submission:

Labcorp Genetics (formerly Invitae), Labcorp
Classification: Uncertain significance. Last evaluated: 2023-05-04. Review status: criteria provided, single submitter. Criteria: Invitae Variant Classification Sherloc (09022015). Collection method: clinical testing. Allele origin: germline.
Comment: In summary, the available evidence is currently insufficient to determine the role of this variant in disease. Therefore, it has been classified as a Variant of Uncertain Significance. An algorithm developed to predict the effect of missense changes on protein structure and function (PolyPhen-2) suggests that this variant is likely to be tolerated. This variant has not been reported in the literature in individuals affected with MOCS3-related conditions. This variant is not present in population databases (gnomAD no frequency). This sequence change replaces proline, which is neutral and non-polar, with glutamine, which is neutral and polar, at codon 50 of the MOCS3 protein (p.Pro50Gln).

NM_014484.5(MOCS3):c.149C>A (p.Pro50Gln)

Gene: MOCS3 (molybdenum cofactor synthesis 3; plus strand). Cytogenetic location: 20q13.13.
Variant type: single nucleotide variant.
Coding change: c.149C>A on transcript NM_014484.5 (MANE Select); coding-DNA position 149, C replaced by A.
Protein change: p.Pro50Gln; replaces proline 50 with glutamine.
Molecular consequence: missense variant.
Genome position (GRCh38, 1-based): chr20:50,958,991, C>A. VCF-style: chr20-50958991-C-A. GRCh37 (hg19) VCF-style: chr20-49575528-C-A.
Other names: short protein forms P50Q.
Identifiers: ClinVar variation 2861958 (VCV002861958.3), dbSNP rs2515743072, ClinGen allele CA408981933.
Genomic context (GRCh38, chr20:50,958,991, plus strand): 5'-CGGCTCTTTTGGCTGAGCAGGAACCGCAGCCAGAACGGCTGGTTCCGGTGTCGCCGCTGC[C>A]GCCGAAGGCCGCTCTGTCCCGAGATGAGATTCTGCGCTATAGCCGGCAGCTAGTGCTGCC-3'
Protein context (NP_055299.1, residues 40-60): PERLVPVSPL[Pro50Gln]PKAALSRDEI